The following is an entry in ClinVar:

NM_001029883.3(PCARE):c.2346A>T (p.Gln782His)

Gene: PCARE (photoreceptor cilium actin regulator; minus strand). Cytogenetic location: 2p23.2.
Variant type: single nucleotide variant.
Coding change: c.2346A>T on transcript NM_001029883.3 (MANE Select); coding-DNA position 2346, A replaced by T.
Protein change: p.Gln782His; replaces glutamine 782 with histidine.
Molecular consequence: missense variant.
Genome position (GRCh38, 1-based): chr2:29,071,916, T>A on the plus strand (A>T on the coding strand, the complement: PCARE is on the minus strand). VCF-style: chr2-29071916-T-A. GRCh37 (hg19) VCF-style: chr2-29294782-T-A.
Other names: short protein forms Q782H.
Identifiers: ClinVar variation 4954445 (VCV004954445.2).

ClinVar aggregate classification (germline): Uncertain significance. Review status: criteria provided, multiple submitters, no conflicts (2 of 4 stars). 2 submissions from 2 submitters: Uncertain significance (2). Last evaluated 2026-07-01.

Submissions (2):

CeGaT Center for Human Genetics Tuebingen
Classification: Uncertain significance. Last evaluated: 2026-07-01. Review status: criteria provided, single submitter. Criteria: CeGaT Center For Human Genetics Tuebingen Variant Classification Criteria Version 2. Collection method: clinical testing. Allele origin: germline. Affected: yes. Observed: 1 variant allele.
Comment: PCARE: PM2, BP4

Blueprint Genetics
Classification: Uncertain significance. Last evaluated: 2019-10-15. Review status: criteria provided, single submitter. Criteria: ACMG Guidelines, 2015. Collection method: clinical testing. Allele origin: germline.